The following is an entry in ClinVar:

ClinVar aggregate classification (germline): Likely pathogenic (1 of 4 stars; one submission).

Conditions:
Brachydactyly type B2 (BDB2). Identifiers: Orphanet 140908, MedGen C1969652, MONDO:0012658, OMIM 611377.
Tarsal-carpal coalition syndrome. Identifiers: Orphanet 1412, MedGen C1861305, MONDO:0008521, OMIM 186570.
Symphalangism-brachydactyly syndrome (SYNS1). Also called: WL SYNDROME; DEAFNESS-SYMPHALANGISM SYNDROME OF HERRMANN; FACIOAUDIOSYMPHALANGISM SYNDROME; Multiple synostoses syndrome 1. Identifiers: Orphanet 3237, MedGen C0342282, MONDO:0008519, OMIM 186500.
Stapes ankylosis with broad thumbs and toes. Also called: STAPES ANKYLOSIS SYNDROME WITHOUT SYMPHALANGISM; TEUNISSEN-CREMERS SYNDROME; ANKYLOSIS OF STAPES, HYPEROPIA, BROAD THUMBS, BROAD FIRST TOES, AND SYNDACTYLY. Identifiers: Orphanet 140917, MedGen C1866656, MONDO:0008484, OMIM 184460.
Proximal symphalangism 1A. Also called: CUSHING SYMPHALANGISM; HEREDITARY ABSENCE OF THE PROXIMAL INTERPHALANGEAL JOINTS. Identifiers: Orphanet 3250, MedGen C3714899, MONDO:0020733, OMIM 185800.

Submission:

Juno Genomics, Hangzhou Juno Genomics, Inc
Classification: Likely pathogenic for Brachydactyly type B2; Symphalangism-brachydactyly syndrome; Stapes ankylosis with broad thumbs and toes; Proximal symphalangism 1A; Tarsal-carpal coalition syndrome. Review status: criteria provided, single submitter. Criteria: ACMG Guidelines, 2015. Collection method: clinical testing. Allele origin: germline. Affected: yes.
Comment: Null variant in a gene where loss of function (LOF) is a known mechanism of disease.;Absent from controls (or at extremely low frequency if recessive) in Genome Aggregation Database, Exome Sequencing Project, 1000 Genomes Project, or Exome Aggregation Consortium.;De novo (both maternity and paternity confirmed) in a patient with the disease and no family history.

NM_005450.6(NOG):c.509del (p.Pro170fs)

Gene: NOG (noggin; plus strand). Cytogenetic location: 17q22.
Variant type: Deletion.
Coding change: c.509del on transcript NM_005450.6 (MANE Select); coding-DNA position 509, one base deleted (C; older notation c.509delC).
Protein change: p.Pro170fs; shifts the reading frame from proline 170.
Molecular consequence: frameshift variant.
Genome position (GRCh38, 1-based): chr17:56,594,732, C deleted; the last of 2 consecutive C bases (chr17:56,594,731-56,594,732); deleting either gives the same sequence. VCF-style (leftmost placement, unchanged base first): chr17-56594730-GC-G. GRCh37 (hg19) VCF-style: chr17-54672091-GC-G.
Other names: short protein forms P170fs.
Identifiers: ClinVar variation 3382219 (VCV003382219.2).